The following is an entry in ClinVar:

NM_001368397.1(FRMPD4):c.2449A>G (p.Ser817Gly)

Gene: FRMPD4 (FERM and PDZ domain containing 4; plus strand). Cytogenetic location: Xp22.2.
Variant type: single nucleotide variant.
Coding change: c.2449A>G on transcript NM_001368397.1 (MANE Select); coding-DNA position 2449, A replaced by G.
Protein change: p.Ser817Gly; replaces serine 817 with glycine.
Molecular consequence: missense variant.
Genome position (GRCh38, 1-based): chrX:12,716,908, A>G. VCF-style: chrX-12716908-A-G. GRCh37 (hg19) VCF-style: chrX-12735027-A-G.
Other names: c.2560A>G, p.Ser854Gly (NM_001368395.3, NM_001368398.3); c.2455A>G, p.Ser819Gly (NM_001368396.3); c.2440A>G, p.Ser814Gly (NM_001368399.3); c.2329A>G, p.Ser777Gly (NM_001368400.3); c.2425A>G, p.Ser809Gly (NM_001368401.1, NM_001368402.3); c.2449A>G, p.Ser817Gly (NM_014728.3); short protein forms S777G, S809G, S814G, S817G, S819G, S854G.
Identifiers: ClinVar variation 3252906 (VCV003252906.1), dbSNP rs1247916645.

ClinVar aggregate classification (germline): Uncertain significance (1 of 4 stars; one submission).

Submission:

GeneDx
Classification: Uncertain significance. Last evaluated: 2023-12-03. Review status: criteria provided, single submitter. Criteria: GeneDx Variant Classification Process June 2021. Collection method: clinical testing. Allele origin: germline. Affected: yes.
Comment: Not observed at significant frequency in large population cohorts (gnomAD); In silico analysis supports that this missense variant does not alter protein structure/function; Has not been previously published as pathogenic or benign to our knowledge